The following is an entry in ClinVar:

NM_004260.4(RECQL4):c.3318C>G (p.Arg1106=)

Gene: RECQL4 (RecQ like helicase 4; minus strand). Cytogenetic location: 8q24.3.
Variant type: single nucleotide variant.
Coding change: c.3318C>G on transcript NM_004260.4 (MANE Select); coding-DNA position 3318, C replaced by G.
Protein change: p.Arg1106=; no amino-acid change (arginine 1106 retained).
Molecular consequence: synonymous variant.
Genome position (GRCh38, 1-based): chr8:144,511,986, G>C on the plus strand (C>G on the coding strand, the complement: RECQL4 is on the minus strand). VCF-style: chr8-144511986-G-C. GRCh37 (hg19) VCF-style: chr8-145737369-G-C.
Identifiers: ClinVar variation 960148 (VCV000960148.6), dbSNP rs781456397, ClinGen allele CA463565870.

ClinVar aggregate classification (germline): Uncertain significance. Review status: criteria provided, multiple submitters, no conflicts (2 of 4 stars). 2 submissions from 2 submitters: Uncertain significance (2). Last evaluated 2024-02-28.

Conditions:
Baller-Gerold syndrome (BGS). Also called: CRANIOSYNOSTOSIS WITH RADIAL DEFECTS. Identifiers: Orphanet 1225, MedGen C0265308, MONDO:0009039, OMIM 218600.

Allele frequency attached by ClinVar (database versions not stated): TOPMed 0.00001.
gnomAD v4.1: 13 of 1,611,010 alleles (0.00081%); highest among the groups gnomAD compares: Non-Finnish European, 0.0011%; no homozygotes.

Submissions (2):

GeneDx
Classification: Uncertain significance. Last evaluated: 2024-02-28. Review status: criteria provided, single submitter. Criteria: GeneDx Variant Classification Process June 2021. Collection method: clinical testing. Allele origin: germline. Affected: yes.
Comment: Not observed at significant frequency in large population cohorts (gnomAD); In silico analysis supports a deleterious effect on splicing; Has not been previously published as pathogenic or benign to our knowledge

Labcorp Genetics (formerly Invitae), Labcorp
Classification: Uncertain significance for Baller-Gerold syndrome. Last evaluated: 2022-11-15. Review status: criteria provided, single submitter. Criteria: Invitae Variant Classification Sherloc (09022015). Collection method: clinical testing. Allele origin: germline.
Comment: This sequence change affects codon 1106 of the RECQL4 mRNA. It is a 'silent' change, meaning that it does not change the encoded amino acid sequence of the RECQL4 protein. This variant is not present in population databases (gnomAD no frequency). This variant has not been reported in the literature in individuals affected with RECQL4-related conditions. ClinVar contains an entry for this variant (Variation ID: 960148). Algorithms developed to predict the effect of sequence changes on RNA splicing suggest that this variant may create or strengthen a splice site. In summary, the available evidence is currently insufficient to determine the role of this variant in disease. Therefore, it has been classified as a Variant of Uncertain Significance.